The following is an entry in ClinVar:

ClinVar aggregate classification (germline): Uncertain significance. Review status: criteria provided, multiple submitters, no conflicts (2 of 4 stars). 2 submissions from 2 submitters: Uncertain significance (2). Last evaluated 2025-09-05.

Conditions:
Inborn genetic diseases. Identifiers: MedGen C0950123, MeSH D030342.

gnomAD v4.1: 14 of 1,474,264 alleles (0.00095%); highest among the groups gnomAD compares: Non-Finnish European, 0.0013%; no homozygotes.

Submissions (2):

Ambry Genetics
Classification: Uncertain significance for Inborn genetic diseases. Last evaluated: 2025-09-05. Review status: criteria provided, single submitter. Criteria: Ambry Variant Classification Scheme 2023. Collection method: clinical testing. Allele origin: germline.

Labcorp Genetics (formerly Invitae), Labcorp
Classification: Uncertain significance. Last evaluated: 2025-02-06. Review status: criteria provided, single submitter. Criteria: Invitae Variant Classification Sherloc (09022015). Collection method: clinical testing. Allele origin: germline.
Comment: This sequence change replaces alanine, which is neutral and non-polar, with valine, which is neutral and non-polar, at codon 339 of the BCL11B protein (p.Ala339Val). This variant is not present in population databases (gnomAD no frequency). This variant has not been reported in the literature in individuals affected with BCL11B-related conditions. Invitae Evidence Modeling of protein sequence and biophysical properties (such as structural, functional, and spatial information, amino acid conservation, physicochemical variation, residue mobility, and thermodynamic stability) indicates that this missense variant is not expected to disrupt BCL11B protein function with a negative predictive value of 95%. In summary, the available evidence is currently insufficient to determine the role of this variant in disease. Therefore, it has been classified as a Variant of Uncertain Significance.

NM_138576.4(BCL11B):c.1016C>T (p.Ala339Val)

Gene: BCL11B (BCL11 transcription factor B; minus strand). Cytogenetic location: 14q32.2.
Variant type: single nucleotide variant.
Coding change: c.1016C>T on transcript NM_138576.4 (MANE Select); coding-DNA position 1016, C replaced by T.
Protein change: p.Ala339Val; replaces alanine 339 with valine.
Molecular consequence: missense variant.
Genome position (GRCh38, 1-based): chr14:99,175,820, G>A on the plus strand (C>T on the coding strand, the complement: BCL11B is on the minus strand). VCF-style: chr14-99175820-G-A. GRCh37 (hg19) VCF-style: chr14-99642157-G-A.
Other names: c.1013C>T, p.Ala338Val (NM_001282237.2); c.800C>T, p.Ala267Val (NM_001282238.2); c.803C>T, p.Ala268Val (NM_022898.3); short protein forms A268V, A267V, A338V, A339V.
Identifiers: ClinVar variation 4201268 (VCV004201268.2).
Genomic context (GRCh38, chr14:99,175,820, plus strand): 5'-GGCGAGTCGATGGCCATGGGGTTCAGGCGCATGACTCGGTCGAAGGCACTGGGGTGCTGG[G>A]CGACGAGCCCCATCTCCTCGGCACTGAGGCGGTGCGGGTCCAGGTGGTGGCGCGGCGGGG-3'
Protein context (NP_612808.1, residues 329-349): RLSAEEMGLV[Ala339Val]QHPSAFDRVM